The following is an entry in ClinVar:

ClinVar aggregate classification (germline): Uncertain significance. Review status: criteria provided, multiple submitters, no conflicts (2 of 4 stars). 3 submissions from 3 submitters: Uncertain significance (3). Last evaluated 2024-10-16.

Conditions:
Donnai-Barrow syndrome. Also called: DBS/FOAR SYNDROME; FACIOOCULOACOUSTICORENAL SYNDROME. Identifiers: Orphanet 2143, MedGen C1857277, MONDO:0009104, OMIM 222448.
Inborn genetic diseases. Identifiers: MedGen C0950123, MeSH D030342.

Allele frequency attached by ClinVar (database versions not stated): ExAC 0.00001; gnomAD 0.00001; gnomAD exomes 0.00001 and 0.00002; TOPMed 0.00002.
gnomAD v4.1: 15 of 1,614,008 alleles (0.00093%); highest among the groups gnomAD compares: Middle Eastern, 0.049%; no homozygotes.

Submissions (3):

Labcorp Genetics (formerly Invitae), Labcorp
Classification: Uncertain significance. Last evaluated: 2024-10-16. Review status: criteria provided, single submitter. Criteria: Invitae Variant Classification Sherloc (09022015). Collection method: clinical testing. Allele origin: germline.
Comment: This sequence change replaces glutamic acid, which is acidic and polar, with lysine, which is basic and polar, at codon 2674 of the LRP2 protein (p.Glu2674Lys). This variant is present in population databases (rs763170196, gnomAD 0.005%). This variant has not been reported in the literature in individuals affected with LRP2-related conditions. ClinVar contains an entry for this variant (Variation ID: 1404514). Invitae Evidence Modeling of protein sequence and biophysical properties (such as structural, functional, and spatial information, amino acid conservation, physicochemical variation, residue mobility, and thermodynamic stability) has been performed for this missense variant. However, the output from this modeling did not meet the statistical confidence thresholds required to predict the impact of this variant on LRP2 protein function. In summary, the available evidence is currently insufficient to determine the role of this variant in disease. Therefore, it has been classified as a Variant of Uncertain Significance.

Ambry Genetics
Classification: Uncertain significance for Inborn genetic diseases. Last evaluated: 2024-03-28. Review status: criteria provided, single submitter. Criteria: Ambry Variant Classification Scheme 2023. Collection method: clinical testing. Allele origin: germline.

Fulgent Genetics
Classification: Uncertain significance for Donnai-Barrow syndrome. Last evaluated: 2022-05-19. Review status: criteria provided, single submitter. Criteria: ACMG Guidelines, 2015. Collection method: clinical testing. Allele origin: unknown.

NM_004525.3(LRP2):c.8020G>A (p.Glu2674Lys)

Gene: LRP2 (LDL receptor related protein 2; minus strand). Cytogenetic location: 2q31.1.
Variant type: single nucleotide variant.
Coding change: c.8020G>A on transcript NM_004525.3 (MANE Select); coding-DNA position 8020, G replaced by A.
Protein change: p.Glu2674Lys; replaces glutamic acid 2674 with lysine.
Molecular consequence: missense variant.
Genome position (GRCh38, 1-based): chr2:169,202,945, C>T on the plus strand (G>A on the coding strand, the complement: LRP2 is on the minus strand). VCF-style: chr2-169202945-C-T. GRCh37 (hg19) VCF-style: chr2-170059455-C-T.
Other names: c.8020G>A (NM_004525.2); short protein forms E2674K.
Identifiers: ClinVar variation 1404514 (VCV001404514.9), dbSNP rs763170196, ClinGen allele CA1953948.